The following is an entry in ClinVar:

ClinVar aggregate classification (germline): Benign. Review status: criteria provided, multiple submitters, no conflicts (2 of 4 stars). 3 submissions from 3 submitters: Benign (2). 1 of the submissions does not count toward it. Last evaluated 2026-02-03.

Conditions:
DSCAML1-related disorder. Also called: DSCAML1-related condition.

Allele frequency attached by ClinVar (database versions not stated): 1000 Genomes Project 0.00399; 1000 Genomes Project 30x 0.00500; gnomAD 0.00734 and 0.00771; gnomAD exomes 0.00737 and 0.00999; TOPMed 0.00745; ExAC 0.00759; ESP Exome Variant Server 0.00839.
gnomAD v4.1: 15,683 of 1,612,284 alleles (0.97%); highest among the groups gnomAD compares: Non-Finnish European, 1.2%; 103 homozygotes.

Submissions (3):

Labcorp Genetics (formerly Invitae), Labcorp
Classification: Benign. Last evaluated: 2026-02-03. Review status: criteria provided, single submitter. Criteria: Invitae Variant Classification Sherloc (09022015). Collection method: clinical testing. Allele origin: germline.

Breakthrough Genomics
Classification: Benign. Review status: criteria provided, single submitter. Criteria: ACMG Guidelines, 2015. Collection method: not provided. Allele origin: germline. Inheritance: Unknown mechanism. Affected: yes.

PreventionGenetics, part of Exact Sciences
Classification: Benign for DSCAML1-related condition. Last evaluated: 2019-02-19. Review status: no assertion criteria provided. Collection method: clinical testing. Allele origin: germline. Not counted in ClinVar's aggregate classification.
Comment: This variant is classified as benign based on ACMG/AMP sequence variant interpretation guidelines (Richards et al. 2015 PMID: 25741868, with internal and published modifications).

NM_020693.4(DSCAML1):c.3413-5G>A

Gene: DSCAML1 (DS cell adhesion molecule like 1; minus strand). Cytogenetic location: 11q23.3.
Variant type: single nucleotide variant.
Coding change: c.3413-5G>A on transcript NM_020693.4 (MANE Select); 5 bases into the intron before coding-DNA position 3413, G replaced by A.
Molecular consequence: intron variant.
Genome position (GRCh38, 1-based): chr11:117,458,914, C>T on the plus strand (G>A on the coding strand, the complement: DSCAML1 is on the minus strand). VCF-style: chr11-117458914-C-T. GRCh37 (hg19) VCF-style: chr11-117329630-C-T.
Identifiers: ClinVar variation 715644 (VCV000715644.13), dbSNP rs117043085, ClinGen allele CA6296689.
Genomic context (GRCh38, chr11:117,458,914, plus strand): 5'-GCCCCGCAGCTCCACCCGCTCCCGCGTGGTGGTGATGTTCTGCATCTCGCCCCACTCTGC[C>T]AGAGACCAGCAAACTCTGAGGACCCAGCTCCATCGGGCTGTGGCCCCTGCTGCTACCCCT-3'